The following is an entry in ClinVar:

NM_016180.5(SLC45A2):c.1379C>T (p.Ala460Val)

Gene: SLC45A2 (solute carrier family 45 member 2; minus strand). Cytogenetic location: 5p13.2.
Variant type: single nucleotide variant.
Coding change: c.1379C>T on transcript NM_016180.5 (MANE Select); coding-DNA position 1379, C replaced by T.
Protein change: p.Ala460Val; replaces alanine 460 with valine.
Molecular consequence: missense variant.
Genome position (GRCh38, 1-based): chr5:33,944,862, G>A on the plus strand (C>T on the coding strand, the complement: SLC45A2 is on the minus strand). VCF-style: chr5-33944862-G-A. GRCh37 (hg19) VCF-style: chr5-33944967-G-A.
Other names: c.1379C>T (NM_016180.3); short protein forms A460V.
Identifiers: ClinVar variation 1365853 (VCV001365853.6), dbSNP rs748573899, ClinGen allele CA3225466.

ClinVar aggregate classification (germline): Uncertain significance. Review status: criteria provided, multiple submitters, no conflicts (2 of 4 stars). 2 submissions from 2 submitters: Uncertain significance (2). Last evaluated 2023-02-17.

Conditions:
Inborn genetic diseases. Identifiers: MedGen C0950123, MeSH D030342.

Allele frequency attached by ClinVar (database versions not stated): gnomAD exomes 0.00001 and below 0.00001; gnomAD 0.00007 and 0.00006; TOPMed 0.00002; ExAC 0.00001.
gnomAD v4.1: 18 of 1,611,996 alleles (0.0011%); highest among the groups gnomAD compares: Admixed American, 0.01%; no homozygotes.

Submissions (2):

Ambry Genetics
Classification: Uncertain significance for Inborn genetic diseases. Last evaluated: 2023-02-17. Review status: criteria provided, single submitter. Criteria: Ambry Variant Classification Scheme 2023. Collection method: clinical testing. Allele origin: germline.

Labcorp Genetics (formerly Invitae), Labcorp
Classification: Uncertain significance. Last evaluated: 2022-06-27. Review status: criteria provided, single submitter. Criteria: Invitae Variant Classification Sherloc (09022015). Collection method: clinical testing. Allele origin: germline.
Comment: This sequence change replaces alanine, which is neutral and non-polar, with valine, which is neutral and non-polar, at codon 460 of the SLC45A2 protein (p.Ala460Val). This variant is present in population databases (rs748573899, gnomAD 0.009%). This variant has not been reported in the literature in individuals affected with SLC45A2-related conditions. Algorithms developed to predict the effect of missense changes on protein structure and function output the following: SIFT: "Tolerated"; PolyPhen-2: "Benign"; Align-GVGD: "Class C0". The valine amino acid residue is found in multiple mammalian species, which suggests that this missense change does not adversely affect protein function. In summary, the available evidence is currently insufficient to determine the role of this variant in disease. Therefore, it has been classified as a Variant of Uncertain Significance.